The following is an entry in ClinVar:

NM_000443.4(ABCB4):c.874A>T (p.Lys292Ter)

Gene: ABCB4 (ATP binding cassette subfamily B member 4; minus strand). Cytogenetic location: 7q21.12.
Variant type: single nucleotide variant.
Coding change: c.874A>T on transcript NM_000443.4 (MANE Select); coding-DNA position 874, A replaced by T.
Protein change: p.Lys292Ter; replaces lysine 292 with a stop codon.
Molecular consequence: nonsense.
Genome position (GRCh38, 1-based): chr7:87,447,165, T>A on the plus strand (A>T on the coding strand, the complement: ABCB4 is on the minus strand). VCF-style: chr7-87447165-T-A. GRCh37 (hg19) VCF-style: chr7-87076481-T-A.
Other names: c.874A>T, p.Lys292Ter (NM_018849.3, NM_018850.3); c.874A>T (NM_000443.3); short protein forms K292*.
Identifiers: ClinVar variation 973520 (VCV000973520.8), dbSNP rs1348610360, ClinGen allele CA368048929.
Genomic context (GRCh38, chr7:87,447,165, plus strand): 5'-ATGATGCATATATTAACAGGAAGGCAATACCCATGGAAATGTTTGCTGAAATAGCTTTTT[T>A]AATTCCAATCTCTTTGGCATTTTCTAAATGTTTCTGATACCTACCAGAAAAATGAGAGGG-3'

ClinVar aggregate classification (germline): Pathogenic. Review status: criteria provided, multiple submitters, no conflicts (2 of 4 stars). 5 submissions from 5 submitters: Pathogenic (5). Last evaluated 2026-05-12.

Conditions:
Familial intrahepatic cholestasis. Identifiers: Orphanet 284385, MedGen CN296401, MONDO:0017290.
Low phospholipid associated cholelithiasis (GBD1). Also called: Gallstone cholecystitis; Gallbladder disease 1. Identifiers: Orphanet 69663, MedGen C2609268, MONDO:0010939, OMIM 600803.
ABCB4-related disorder. Also called: ABCB4-related disorders; ABCB4-related condition.
Familial intrahepatic cholestasis type 3.
Progressive familial intrahepatic cholestasis type 3. Also called: Low Gamma-GT Familial Intrahepatic Cholestasis; MDR3 DEFICIENCY. Identifiers: Orphanet 79305, MedGen C1865643, MONDO:0011214, OMIM 602347.

Allele frequency attached by ClinVar (database versions not stated): gnomAD exomes below 0.00001; TOPMed below 0.00001; gnomAD 0.00001.
gnomAD v4.1: 6 of 1,613,902 alleles (0.00037%); highest among the groups gnomAD compares: South Asian, 0.0011%; no homozygotes.

Submissions (5):

PreventionGenetics, part of Exact Sciences
Classification: Pathogenic for ABCB4-related condition. Last evaluated: 2026-05-12. Review status: criteria provided, single submitter. Criteria: ACMG Guidelines, 2015. Collection method: clinical testing. Allele origin: germline.
Comment: The ABCB4 c.874A>T variant is predicted to result in premature protein termination (p.Lys292*). This variant, in the homozygous condition or along with a second variant in ABCB4, has been reported in several individuals with autosomal recessive progressive familial intrahepatic cholestasis (Sun et al. 2015. PubMed ID: 25593501; Table S3, Cheema et al. 2020. PubMed ID: 33083013; Oliveira et al. 2017. PubMed ID: 30755924). This variant has not been reported in a large population database, indicating it is rare. Nonsense variants in ABCB4 are expected to be pathogenic. This variant is interpreted as pathogenic.

Genomenon, Inc
Classification: Pathogenic for Familial intrahepatic cholestasis; Low phospholipid associated cholelithiasis. Last evaluated: 2026-04-14. Review status: criteria provided, single submitter. Criteria: Genomenon Sequence Variant Interpretation Standards - Updated. Collection method: curation. Allele origin: germline. Affected: yes.
Comment: ABCB4 p.Lys292Ter (c.874A>T) is a nonsense variant that introduces a premature stop codon at amino acid position 292, creating a truncated protein that is predicted to undergo nonsense-mediated mRNA decay. This variant has been observed in at least one proband with an ABCB4-related disorder (PMID:37697751;34376370;30755924;25593501;17241866). The variant was found to segregate with disease in at least one family (PMID:34376370). It is absent or not present at a significant frequency in gnomAD. In conclusion, we classify ABCB4 p.Lys292Ter (c.874A>T) as a pathogenic variant.

Labcorp Genetics (formerly Invitae), Labcorp
Classification: Pathogenic. Last evaluated: 2023-07-24. Review status: criteria provided, single submitter. Criteria: Invitae Variant Classification Sherloc (09022015). Collection method: clinical testing. Allele origin: germline.
Comment: For these reasons, this variant has been classified as Pathogenic. ClinVar contains an entry for this variant (Variation ID: 973520). This premature translational stop signal has been observed in individual(s) with ABCB4-related conditions (PMID: 17241866, 25593501, 34376370). This variant is not present in population databases (gnomAD no frequency). This sequence change creates a premature translational stop signal (p.Lys292*) in the ABCB4 gene. It is expected to result in an absent or disrupted protein product. Loss-of-function variants in ABCB4 are known to be pathogenic (PMID: 17726488, 25755532).

Rolfs Rare Disease Consulting, Rolfs Consulting Und Verwaltungs GmbH
Classification: Pathogenic for Progressive familial intrahepatic cholestasis type 3. Last evaluated: 2021-01-01. Review status: criteria provided, single submitter. Criteria: ACMG Guidelines, 2015. Collection method: clinical testing. Allele origin: germline. Affected: yes.

CENTOGENE GmbH and LLC - Guiding Precision Medicine
Classification: Pathogenic for Familial intrahepatic cholestasis type 3. Review status: criteria provided, single submitter. Criteria: ACMG Guidelines, 2015. Collection method: clinical testing. Allele origin: germline. Affected: yes.

Literature cited by the submitters: PubMed 37697751 (cited by Genomenon, Inc); PubMed 34376370 (cited by Genomenon, Inc and Labcorp Genetics (formerly Invitae), Labcorp); PubMed 30755924 (cited by Genomenon, Inc); PubMed 25593501 (cited by Genomenon, Inc and Labcorp Genetics (formerly Invitae), Labcorp); PubMed 17241866 (cited by Genomenon, Inc and Labcorp Genetics (formerly Invitae), Labcorp); PubMed 17726488 (cited by Labcorp Genetics (formerly Invitae), Labcorp); PubMed 25755532 (cited by Labcorp Genetics (formerly Invitae), Labcorp).